The following is an entry in ClinVar:

ClinVar aggregate classification (germline): Uncertain significance (0 of 4 stars; one submission).

Conditions:
EP400-related disorder. Also called: EP400-related condition.

gnomAD v4.1: 29 of 1,516,200 alleles (0.0019%); highest among the groups gnomAD compares: Admixed American, 0.0068%; no homozygotes.

Submission:

PreventionGenetics, part of Exact Sciences
Classification: Uncertain significance for EP400-related condition. Last evaluated: 2024-03-14. Review status: no assertion criteria provided. Collection method: clinical testing. Allele origin: germline.
Comment: The EP400 c.4110+2T>A variant is predicted to disrupt the GT donor site and interfere with normal splicing. To our knowledge, this variant has not been reported in the literature. This variant is reported in 0.0047% of alleles in individuals of Latino descent in gnomAD. At this time, the clinical significance of this variant is uncertain due to the absence of conclusive functional and genetic evidence.

NM_015409.5(EP400):c.4110+2T>A

Gene: EP400 (E1A binding protein p400; plus strand). Cytogenetic location: 12q24.33.
Variant type: single nucleotide variant.
Coding change: c.4110+2T>A on transcript NM_015409.5 (MANE Select); the canonical splice donor site of the intron after coding-DNA position 4110, T replaced by A.
Molecular consequence: splice donor variant.
Genome position (GRCh38, 1-based): chr12:132,017,723, T>A. VCF-style: chr12-132017723-T-A. GRCh37 (hg19) VCF-style: chr12-132502268-T-A.
Identifiers: ClinVar variation 3358530 (VCV003358530.1).